The following is an entry in ClinVar:

ClinVar aggregate classification (germline): Benign (1 of 4 stars; one submission).

Conditions:
MELAS syndrome (MELAS). Also called: Juvenile myopathy, encephalopathy, lactic acidosis, stroke. Identifiers: Orphanet 550, MedGen C0162671, MONDO:0010789, OMIM 540000.

Submission:

Wong Mito Lab, Molecular and Human Genetics, Baylor College of Medicine
Classification: Benign for MELAS syndrome. Last evaluated: 2019-07-12. Review status: criteria provided, single submitter. Criteria: Modified ACMG Guidelines (Unpublished). Collection method: clinical testing. Allele origin: germline.
Comment: The NC_012920.1:m.7547T>C variant in MT-TD gene is interpreted to be a Benign variant based on the modified ACMG guidelines (unpublished). This variant meets the following evidence codes reported in the guidelines: BS1, BS2, BP4

Literature cited by the submitters: PubMed 31965079.

NC_012920.1(MT-TD):m.7547T>C

Gene: MT-TD (mitochondrially encoded tRNA aspartic acid; plus strand).
Variant type: single nucleotide variant.
Genome position: chrM-7547-T-C.
Identifiers: ClinVar variation 690044 (VCV000690044.1), dbSNP rs879076142, ClinGen allele CA337097651.